The following is an entry in ClinVar:

NM_007294.4(BRCA1):c.5153-22G>C

Gene: BRCA1 (BRCA1 DNA repair associated; minus strand). Cytogenetic location: 17q21.31.
Variant type: single nucleotide variant.
Coding change: c.5153-22G>C on transcript NM_007294.4 (MANE Select); 22 bases into the intron before coding-DNA position 5153, G replaced by C.
Molecular consequence: intron variant.
Genome position (GRCh38, 1-based): chr17:43,063,395, C>G on the plus strand (G>C on the coding strand, the complement: BRCA1 is on the minus strand). VCF-style: chr17-43063395-C-G. GRCh37 (hg19) VCF-style: chr17-41215412-C-G.
Other names: c.1700-22G>C (NM_001408458.1, NM_001408461.1, NM_001408464.1 and 7 more transcripts); c.4262-22G>C (NM_001407967.1); c.4772-22G>C (NM_001407959.1); c.4886-22G>C (NM_001407931.1, NM_001407932.1, NM_001407928.1 and 4 more transcripts); c.5009-22G>C (NM_001407747.1, NM_001407745.1, NM_001407737.1 and 21 more transcripts); c.4769-22G>C (NM_001407962.1, NM_001407960.1); c.1340-22G>C (NM_001408512.1); c.1463-22G>C (NM_001408510.1); and 72 more.
Identifiers: ClinVar variation 865044 (VCV000865044.3), dbSNP rs2051877698, ClinGen allele CA916080092.

Conditions:
Breast-ovarian cancer, familial, susceptibility to, 1 (BROVCA1). Also called: BRCA1 Hereditary Breast and Ovarian Cancer; OVARIAN CANCER, SUSCEPTIBILITY TO. Identifiers: Orphanet 145, MedGen C2676676, MONDO:0011450, OMIM 604370. Disease mechanism: loss of function.

Submission:

Brotman Baty Institute, University of Washington
No classification provided (evidence only). Condition: Breast-ovarian cancer, familial 1. Review status: no classification provided. Collection method: in vitro. Allele origin: not applicable. Functional consequence: functionally_normal.
ClinVar note: "not provided" was previously submitted as the classification for the variant. However, the classification appeared to be based only on an observation of functional data so it was converted to no classification on 2025-07-30.